The following is an entry in ClinVar:

ClinVar aggregate classification (germline): Uncertain significance (1 of 4 stars; one submission).

Conditions:
Hereditary cancer-predisposing syndrome. Also called: Hereditary neoplastic syndrome; Tumor predisposition; Hereditary Cancer Syndrome; Neoplastic Syndromes, Hereditary. Identifiers: Orphanet 140162, MedGen C0027672, MeSH D009386, MONDO:0015356.

Allele frequency attached by ClinVar (database versions not stated): gnomAD exomes below 0.00001.
gnomAD v4.1: 1 of 1,611,830 alleles (0.000062%); highest among the groups gnomAD compares: South Asian, 0.0011%; no homozygotes.

Submission:

Ambry Genetics
Classification: Uncertain significance for Hereditary cancer-predisposing syndrome. Last evaluated: 2023-09-07. Review status: criteria provided, single submitter. Criteria: Ambry Variant Classification Scheme 2023. Collection method: clinical testing. Allele origin: germline.
Comment: The p.K187R variant (also known as c.560A>G), located in coding exon 4 of the NTHL1 gene, results from an A to G substitution at nucleotide position 560. The lysine at codon 187 is replaced by arginine, an amino acid with highly similar properties. This amino acid position is conserved. In addition, this alteration is predicted to be tolerated by in silico analysis. Since supporting evidence is limited at this time, the clinical significance of this alteration remains unclear.

NM_002528.7(NTHL1):c.536A>G (p.Lys179Arg)

Gene: NTHL1 (nth like DNA glycosylase 1; minus strand). Cytogenetic location: 16p13.3.
Variant type: single nucleotide variant.
Coding change: c.536A>G on transcript NM_002528.7 (MANE Select); coding-DNA position 536, A replaced by G.
Protein change: p.Lys179Arg; replaces lysine 179 with arginine.
Molecular consequence: missense variant.
Genome position (GRCh38, 1-based): chr16:2,043,716, T>C on the plus strand (A>G on the coding strand, the complement: NTHL1 is on the minus strand). VCF-style: chr16-2043716-T-C. GRCh37 (hg19) VCF-style: chr16-2093717-T-C.
Other names: c.365A>G, p.Lys122Arg (NM_001318193.2); c.206A>G, p.Lys69Arg (NM_001318194.2); short protein forms K122R, K179R, K69R.
Identifiers: ClinVar variation 2586106 (VCV002586106.2), dbSNP rs2548315257, ClinGen allele CA394292521.